The following is an entry in ClinVar:

ClinVar aggregate classification (germline): Uncertain significance (1 of 4 stars; one submission).

Submission:

Labcorp Genetics (formerly Invitae), Labcorp
Classification: Uncertain significance. Last evaluated: 2024-06-04. Review status: criteria provided, single submitter. Criteria: Invitae Variant Classification Sherloc (09022015). Collection method: clinical testing. Allele origin: germline.
Comment: This sequence change replaces serine, which is neutral and polar, with alanine, which is neutral and non-polar, at codon 2664 of the NSD1 protein (p.Ser2664Ala). This variant is not present in population databases (gnomAD no frequency). This variant has not been reported in the literature in individuals affected with NSD1-related conditions. Advanced modeling of protein sequence and biophysical properties (such as structural, functional, and spatial information, amino acid conservation, physicochemical variation, residue mobility, and thermodynamic stability) performed at Invitae indicates that this missense variant is not expected to disrupt NSD1 protein function with a negative predictive value of 95%. In summary, the available evidence is currently insufficient to determine the role of this variant in disease. Therefore, it has been classified as a Variant of Uncertain Significance.

NM_022455.5(NSD1):c.7990T>G (p.Ser2664Ala)

Gene: NSD1 (nuclear receptor binding SET domain protein 1; plus strand). Cytogenetic location: 5q35.3.
Variant type: single nucleotide variant.
Coding change: c.7990T>G on transcript NM_022455.5 (MANE Select); coding-DNA position 7990, T replaced by G.
Protein change: p.Ser2664Ala; replaces serine 2664 with alanine.
Molecular consequence: missense variant.
Genome position (GRCh38, 1-based): chr5:177,295,358, T>G. VCF-style: chr5-177295358-T-G. GRCh37 (hg19) VCF-style: chr5-176722359-T-G.
Other names: c.7117T>G, p.Ser2373Ala (NM_001365684.2, NM_001409308.1, NM_172349.5); c.7990T>G, p.Ser2664Ala (NM_001409301.1, NM_001409302.1, NM_001409303.1); c.7570T>G, p.Ser2524Ala (NM_001409304.1); c.7237T>G, p.Ser2413Ala (NM_001409305.1); c.7228T>G, p.Ser2410Ala (NM_001409306.1, NM_001409307.1); c.6868T>G, p.Ser2290Ala (NM_001409309.1); short protein forms S2290A, S2373A, S2524A, S2664A, S2413A, S2410A.
Identifiers: ClinVar variation 3635584 (VCV003635584.2).